The following is an entry in ClinVar:

NM_006073.4(TRDN):c.529A>T (p.Lys177Ter)

Gene: TRDN (triadin; minus strand). Cytogenetic location: 6q22.31.
Variant type: single nucleotide variant.
Coding change: c.529A>T on transcript NM_006073.4 (MANE Select); coding-DNA position 529, A replaced by T.
Protein change: p.Lys177Ter; replaces lysine 177 with a stop codon.
Molecular consequence: nonsense.
Genome position (GRCh38, 1-based): chr6:123,516,162, T>A on the plus strand (A>T on the coding strand, the complement: TRDN is on the minus strand). VCF-style: chr6-123516162-T-A. GRCh37 (hg19) VCF-style: chr6-123837307-T-A.
Other names: c.529A>T, p.Lys177Ter (NM_001251987.2, NM_001256020.2, NM_001256021.2); c.529A>T (NM_006073.2); short protein forms K177*.
Identifiers: ClinVar variation 583099 (VCV000583099.9), dbSNP rs1468290898, ClinGen allele CA365568216.
Genomic context (GRCh38, chr6:123,516,162, plus strand): 5'-GACTCAGTGTGTTAAACAGTAATAAAAGTAACTTCATACCTTTCTTTTCAGGTTTTTCTT[T>A]TTCTCTTACTTTTTCTTTTCCTTTTTCTTTTTCTTTGTGTGTAACTGAAAAGAAACAGAT-3'

ClinVar aggregate classification (germline): Pathogenic. Review status: criteria provided, multiple submitters, no conflicts (2 of 4 stars). 2 submissions from 2 submitters: Pathogenic (2). Last evaluated 2025-12-30.

Conditions:
Cardiovascular phenotype. Identifiers: MedGen CN230736.
Catecholaminergic polymorphic ventricular tachycardia 1. Also called: VENTRICULAR TACHYCARDIA, STRESS-INDUCED POLYMORPHIC 1; VENTRICULAR TACHYCARDIA, CATECHOLAMINERGIC POLYMORPHIC, 1, WITH OR WITHOUT ATRIAL DYSFUNCTION AND/OR DILATED CARDIOMYOPATHY; RYR2-Related Catecholaminergic Polymorphic Ventricular Tachycardia. Identifiers: Orphanet 3286, MedGen C1631597, MONDO:0011484, OMIM 604772.

Allele frequency attached by ClinVar (database versions not stated): gnomAD exomes below 0.00001; gnomAD 0.00001.
gnomAD v4.1: 4 of 1,491,934 alleles (0.00027%); highest among the groups gnomAD compares: Non-Finnish European, 0.00027%; no homozygotes.

Submissions (2):

Ambry Genetics
Classification: Pathogenic for Cardiovascular phenotype. Last evaluated: 2025-12-30. Review status: criteria provided, single submitter. Criteria: Ambry Variant Classification Scheme 2023. Collection method: clinical testing. Allele origin: germline.
Comment: The p.K177* pathogenic mutation (also known as c.529A>T), located in coding exon 6 of the TRDN gene, results from an A to T substitution at nucleotide position 529. This changes the amino acid from a lysine to a stop codon within coding exon 6. This variant is considered to be rare based on population cohorts in the Genome Aggregation Database (gnomAD). This alteration is expected to result in loss of function by premature protein truncation or nonsense-mediated mRNA decay. As such, this alteration is interpreted as a disease-causing mutation.

Labcorp Genetics (formerly Invitae), Labcorp
Classification: Pathogenic for Catecholaminergic polymorphic ventricular tachycardia 1. Last evaluated: 2023-11-15. Review status: criteria provided, single submitter. Criteria: Invitae Variant Classification Sherloc (09022015). Collection method: clinical testing. Allele origin: germline.
Comment: This sequence change creates a premature translational stop signal (p.Lys177*) in the TRDN gene. It is expected to result in an absent or disrupted protein product. Loss-of-function variants in TRDN are known to be pathogenic (PMID: 22422768, 25922419, 26200674, 30649896). The frequency data for this variant in the population databases is considered unreliable, as metrics indicate poor data quality at this position in the gnomAD database. This variant has not been reported in the literature in individuals affected with TRDN-related conditions. ClinVar contains an entry for this variant (Variation ID: 583099). For these reasons, this variant has been classified as Pathogenic.

Literature cited by the submitters: PubMed 22422768 (cited by Labcorp Genetics (formerly Invitae), Labcorp); PubMed 25922419 (cited by Labcorp Genetics (formerly Invitae), Labcorp); PubMed 26200674 (cited by Labcorp Genetics (formerly Invitae), Labcorp); PubMed 30649896 (cited by Labcorp Genetics (formerly Invitae), Labcorp).